The following is an entry in ClinVar:

NM_000198.4(HSD3B2):c.518T>G (p.Leu173Arg)

Gene: HSD3B2 (hydroxy-delta-5-steroid dehydrogenase, 3 beta- and steroid delta-isomerase 2; plus strand). Cytogenetic location: 1p12.
Variant type: single nucleotide variant.
Coding change: c.518T>G on transcript NM_000198.4 (MANE Select); coding-DNA position 518, T replaced by G.
Protein change: p.Leu173Arg; replaces leucine 173 with arginine.
Molecular consequence: missense variant.
Genome position (GRCh38, 1-based): chr1:119,422,019, T>G. VCF-style: chr1-119422019-T-G. GRCh37 (hg19) VCF-style: chr1-119964642-T-G.
Other names: c.518T>G, p.Leu173Arg (NM_001166120.2); short protein forms L173R.
Identifiers: ClinVar variation 944811 (VCV000944811.18), dbSNP rs762479018, ClinGen allele CA1035988.

ClinVar aggregate classification (germline): Pathogenic/Likely pathogenic. Review status: criteria provided, multiple submitters, no conflicts (2 of 4 stars). 6 submissions from 6 submitters: Pathogenic (4); Likely pathogenic (1). 1 of the submissions does not count toward it. Last evaluated 2025-09-02.

Conditions:
Congenital adrenal hyperplasia. Identifiers: Orphanet 418, MedGen C0001627, MONDO:0018479, HP:0008258.
HSD3B2-related disorder. Also called: HSD3B2-related condition.
3 beta-Hydroxysteroid dehydrogenase deficiency. Also called: 3-BETA-HSD DEFICIENCY; ADRENAL HYPERPLASIA II; ADRENAL HYPERPLASIA, CONGENITAL, DUE TO 3-BETA-HYDROXYSTEROID DEHYDROGENASE 2 DEFICIENCY; 3b-hydroxysteroid dehydrogenase deficiency; Congenital adrenal hyperplasia due to 3-beta-hydroxysteroid dehydrogenase deficiency. Identifiers: Orphanet 90791, MedGen C0342471, MeSH C538236, MONDO:0008727, OMIM 201810. Disease mechanism: loss of function.

Allele frequency attached by ClinVar (database versions not stated): ExAC 0.00003; gnomAD exomes 0.00003 and 0.00008; gnomAD 0.00004; TOPMed 0.00004.

Submissions (6):

Natera, Inc.
Classification: Likely pathogenic for 3 beta hydroxysteroid dehydrogenase deficiency. Last evaluated: 2025-09-02. Review status: criteria provided, single submitter. Criteria: Natera Variant Classification Schema (03/2026). Collection method: clinical testing. Allele origin: germline.
Comment: The c.518T>G variant in HSD3B2 is a missense variant predicted to cause substitution of leucine to arginine at amino acid 173. This variant is rare in the general population with a frequency below the threshold expected for the associated phenotype(s). This variant has been observed in one or more individuals affected with the associated recessive disease, as either homozygous or compound heterozygous with a second variant (PMID: 10599696, 30668521). This variant has been identified in one or more affected individuals with a phenotype highly consistent with the associated gene (PMID: 10599696, 30668521). Computational prediction algorithms indicate this variant is likely to affect gene or protein function. Given the available evidence, this variant is classified as Likely Pathogenic.

Fulgent Genetics
Classification: Pathogenic for 3 beta-Hydroxysteroid dehydrogenase deficiency. Last evaluated: 2024-05-06. Review status: criteria provided, single submitter. Criteria: ACMG Guidelines, 2015. Collection method: clinical testing. Allele origin: germline.

Labcorp Genetics (formerly Invitae), Labcorp
Classification: Pathogenic. Last evaluated: 2024-02-25. Review status: criteria provided, single submitter. Criteria: Invitae Variant Classification Sherloc (09022015). Collection method: clinical testing. Allele origin: germline.
Comment: This sequence change replaces leucine, which is neutral and non-polar, with arginine, which is basic and polar, at codon 173 of the HSD3B2 protein (p.Leu173Arg). This variant is present in population databases (rs762479018, gnomAD 0.005%). This missense change has been observed in individuals with congenital adrenal hyperplasia (PMID: 8060486, 30668521; Invitae). It has also been observed to segregate with disease in related individuals. ClinVar contains an entry for this variant (Variation ID: 944811). Advanced modeling of protein sequence and biophysical properties (such as structural, functional, and spatial information, amino acid conservation, physicochemical variation, residue mobility, and thermodynamic stability) performed at Invitae indicates that this missense variant is expected to disrupt HSD3B2 protein function with a positive predictive value of 80%. Experimental studies have shown that this missense change affects HSD3B2 function (PMID: 10599696, 11196452). For these reasons, this variant has been classified as Pathogenic.

Athena Diagnostics
Classification: Pathogenic. Last evaluated: 2022-11-21. Review status: criteria provided, single submitter. Criteria: Athena Diagnostics Criteria. Collection method: clinical testing. Allele origin: unknown.
Comment: The frequency of this variant in the general population is consistent with pathogenicity. This variant appears to segregate with disease in at least one family, however, the available information does not rule out segregation due to chance. Assessment of experimental evidence suggests this variant results in abnormal protein function. This variant causes protein instability and reduced enzymatic activity (PMID:11196452, 10599696).

Women's Health and Genetics/Laboratory Corporation of America, LabCorp
Classification: Pathogenic for Congenital adrenal hyperplasia. Last evaluated: 2021-12-23. Review status: criteria provided, single submitter. Criteria: LabCorp Variant Classification Summary - May 2015. Collection method: clinical testing. Allele origin: germline.
Comment: Variant summary: HSD3B2 c.518T>G (p.Leu173Arg) results in a non-conservative amino acid change in the encoded protein sequence. Five of five in-silico tools predict a damaging effect of the variant on protein function. The variant allele was found at a frequency of 2.8e-05 in 251192 control chromosomes. c.518T>G has been reported in the literature as a homozygous genotype in a patient with disorder of sexual development tested on a large 30 gene NGS panel (example, Hughes_2019), as a homozygous genotype in a non-salt loosing form of 3-beta hydroxysteroid dehydrogenase deficiency (example, Moisan_1999, Russel_1999) and as a compound heterozygous genotype in a salt losing form of 3-beta hydroxysteroid dehydrogenase deficiency (example, Alkhatib_2021). These data indicate that the variant is likely to be associated with disease. At least two publications report experimental evidence evaluating an impact on protein function (example, Simard_2000, Moisan_1999). The most pronounced variant effect results in a decrease in maximal velocity (Vmax) at less than 10% of WT levels and a severely decreased protein stability in-vitro. Three clinical diagnostic laboratories have submitted clinical-significance assessments for this variant to ClinVar after 2014 without evidence for independent evaluation. All laboratories classified the variant as pathogenic/likely pathogenic. Based on the evidence outlined above, the variant was classified as pathogenic.

PreventionGenetics, part of Exact Sciences
Classification: Pathogenic for HSD3B2-related condition. Last evaluated: 2024-08-28. Review status: no assertion criteria provided. Collection method: clinical testing. Allele origin: germline. Not counted in ClinVar's aggregate classification.
Comment: The HSD3B2 c.518T>G variant is predicted to result in the amino acid substitution p.Leu173Arg. This variant was reported in homozygous and compound heterozygous state in several individuals with congenital adrenal hyperplasia and/or pseudohermaphroditism (Russell et al. 1994. PubMed ID: 8060486; Hughes et al. 2019. PubMed ID: 30668521; Alkhatib et al. 2021. PubMed ID: 34055358). Functional studies show impact of this variant on protein function (Moisan et al. 1999. PubMed ID: 10599696; Simard et al. 2000. PubMed ID: 11196452). This variant is reported in 0.0047% of alleles in individuals of European (Non-Finnish) descent in gnomAD. This variant is interpreted as pathogenic.

Literature cited by the submitters: PubMed 10599696 (cited by 4 submitters); PubMed 30668521 (cited by 4 submitters); PubMed 8060486 (cited by 3 submitters); PubMed 11196452 (cited by 3 submitters); PubMed 10656999 (cited by Athena Diagnostics); PubMed 10651755 (cited by Athena Diagnostics); PubMed 34055358 (cited by Women's Health and Genetics/Laboratory Corporation of America, LabCorp).